The following is an entry in ClinVar:

NM_001365951.3(KIF1B):c.2716G>T (p.Asp906Tyr)

Genes: KIF1B (kinesin family member 1B; plus strand), LOC126805614 (BRD4-independent group 4 enhancer GRCh37_chr1:10385546-10386745; plus strand). Cytogenetic location: 1p36.22.
Variant type: single nucleotide variant.
Coding change: c.2716G>T on transcript NM_001365951.3 (MANE Select); coding-DNA position 2716, G replaced by T.
Protein change: p.Asp906Tyr; replaces aspartic acid 906 with tyrosine.
Molecular consequence: missense variant.
Genome position (GRCh38, 1-based): chr1:10,326,151, G>T. VCF-style: chr1-10326151-G-T. GRCh37 (hg19) VCF-style: chr1-10386209-G-T.
Other names: c.2716G>T, p.Asp906Tyr (NM_001365952.1); c.2578G>T, p.Asp860Tyr (NM_015074.3); short protein forms D860Y, D906Y.
Identifiers: ClinVar variation 1793335 (VCV001793335.25), dbSNP rs758389718, ClinGen allele CA17836830.

ClinVar aggregate classification (germline): Uncertain significance. Review status: criteria provided, multiple submitters, no conflicts (2 of 4 stars). 3 submissions from 3 submitters: Uncertain significance (3). Last evaluated 2024-04-01.

Conditions:
Charcot-Marie-Tooth disease type 2. Also called: Charcot-Marie-Tooth type 2. Identifiers: Orphanet 64746, MedGen C0270914, MONDO:0018993.

Allele frequency attached by ClinVar (database versions not stated): TOPMed below 0.00001.
gnomAD v4.1: 6 of 1,613,916 alleles (0.00037%); highest among the groups gnomAD compares: Non-Finnish European, 0.00051%; no homozygotes.

Submissions (3):

CeGaT Center for Human Genetics Tuebingen
Classification: Uncertain significance. Last evaluated: 2024-04-01. Review status: criteria provided, single submitter. Criteria: CeGaT Center For Human Genetics Tuebingen Variant Classification Criteria Version 2. Collection method: clinical testing. Allele origin: germline. Affected: yes. Observed: 1 variant allele.
Comment: KIF1B: PM2

Ambry Genetics
Classification: Uncertain significance. Last evaluated: 2024-03-18. Review status: criteria provided, single submitter. Criteria: Ambry Variant Classification Scheme 2023. Collection method: clinical testing. Allele origin: germline.
Comment: The p.D860Y variant (also known as c.2578G>T), located in coding exon 24 of the KIF1B gene, results from a G to T substitution at nucleotide position 2578. The aspartic acid at codon 860 is replaced by tyrosine, an amino acid with highly dissimilar properties. This amino acid position is highly conserved in available vertebrate species. In addition, this alteration is predicted to be deleterious by in silico analysis. The evidence for this gene-disease relationship is limited; therefore, the clinical significance of this alteration is unclear.

Labcorp Genetics (formerly Invitae), Labcorp
Classification: Uncertain significance for Charcot-Marie-Tooth disease type 2. Last evaluated: 2024-01-02. Review status: criteria provided, single submitter. Criteria: Invitae Variant Classification Sherloc (09022015). Collection method: clinical testing. Allele origin: germline.
Comment: This sequence change replaces aspartic acid, which is acidic and polar, with tyrosine, which is neutral and polar, at codon 860 of the KIF1B protein (p.Asp860Tyr). This variant is not present in population databases (gnomAD no frequency). This variant has not been reported in the literature in individuals affected with KIF1B-related conditions. ClinVar contains an entry for this variant (Variation ID: 1793335). An algorithm developed to predict the effect of missense changes on protein structure and function (PolyPhen-2) suggests that this variant is likely to be disruptive. In summary, the available evidence is currently insufficient to determine the role of this variant in disease. Therefore, it has been classified as a Variant of Uncertain Significance.